The following is an entry in ClinVar:

ClinVar aggregate classification (germline): Uncertain significance (1 of 4 stars; one submission).

Submission:

GeneDx
Classification: Uncertain significance. Last evaluated: 2025-07-12. Review status: criteria provided, single submitter. Criteria: GeneDx Variant Classification Process June 2021. Collection method: clinical testing. Allele origin: germline. Affected: yes.
Comment: Not observed at significant frequency in large population cohorts (gnomAD); In silico analysis suggests that this missense variant does not alter protein structure/function; Has not been previously published as pathogenic or benign to our knowledge

NM_018026.4(PACS1):c.2416C>G (p.Leu806Val)

Gene: PACS1 (phosphofurin acidic cluster sorting protein 1; plus strand). Cytogenetic location: 11q13.2.
Variant type: single nucleotide variant.
Coding change: c.2416C>G on transcript NM_018026.4 (MANE Select); coding-DNA position 2416, C replaced by G.
Protein change: p.Leu806Val; replaces leucine 806 with valine.
Molecular consequence: missense variant.
Genome position (GRCh38, 1-based): chr11:66,239,264, C>G. VCF-style: chr11-66239264-C-G. GRCh37 (hg19) VCF-style: chr11-66006735-C-G.
Other names: short protein forms L806V.
Identifiers: ClinVar variation 4685431 (VCV004685431.1).